The following is an entry in ClinVar:

ClinVar aggregate classification (germline): Uncertain significance (1 of 4 stars; one submission).

Conditions:
Inborn genetic diseases. Identifiers: MedGen C0950123, MeSH D030342.

Submission:

Ambry Genetics
Classification: Uncertain significance for Inborn genetic diseases. Last evaluated: 2025-03-27. Review status: criteria provided, single submitter. Criteria: Ambry Variant Classification Scheme 2023. Collection method: clinical testing. Allele origin: germline.
Comment: The p.P248S variant (also known as c.742C>T), located in coding exon 2 of the SH2B3 gene, results from a C to T substitution at nucleotide position 742. The proline at codon 248 is replaced by serine, an amino acid with similar properties. This amino acid position is conserved. In addition, this alteration is predicted to be tolerated by in silico analysis. Based on the available evidence, the clinical significance of this variant remains unclear.

NM_005475.3(SH2B3):c.742C>T (p.Pro248Ser)

Gene: SH2B3 (SH2B adaptor protein 3; plus strand). Cytogenetic location: 12q24.12.
Variant type: single nucleotide variant.
Coding change: c.742C>T on transcript NM_005475.3 (MANE Select); coding-DNA position 742, C replaced by T.
Protein change: p.Pro248Ser; replaces proline 248 with serine.
Molecular consequence: missense variant.
Genome position (GRCh38, 1-based): chr12:111,446,762, C>T. VCF-style: chr12-111446762-C-T. GRCh37 (hg19) VCF-style: chr12-111884566-C-T.
Other names: c.136C>T, p.Pro46Ser (NM_001291424.1); short protein forms P46S, P248S.
Identifiers: ClinVar variation 3953389 (VCV003953389.1).